The following is an entry in ClinVar:

ClinVar aggregate classification (germline): Uncertain significance (1 of 4 stars; one submission).

Submission:

Labcorp Genetics (formerly Invitae), Labcorp
Classification: Uncertain significance. Last evaluated: 2024-06-23. Review status: criteria provided, single submitter. Criteria: Invitae Variant Classification Sherloc (09022015). Collection method: clinical testing. Allele origin: germline.
Comment: This sequence change replaces serine, which is neutral and polar, with glycine, which is neutral and non-polar, at codon 69 of the LZTR1 protein (p.Ser69Gly). This variant is not present in population databases (gnomAD no frequency). This variant has not been reported in the literature in individuals affected with LZTR1-related conditions. Advanced modeling of protein sequence and biophysical properties (such as structural, functional, and spatial information, amino acid conservation, physicochemical variation, residue mobility, and thermodynamic stability) performed at Invitae indicates that this missense variant is not expected to disrupt LZTR1 protein function with a negative predictive value of 80%. In summary, the available evidence is currently insufficient to determine the role of this variant in disease. Therefore, it has been classified as a Variant of Uncertain Significance.

NM_006767.4(LZTR1):c.205A>G (p.Ser69Gly)

Gene: LZTR1 (leucine zipper like post translational regulator 1; plus strand). Cytogenetic location: 22q11.21.
Variant type: single nucleotide variant.
Coding change: c.205A>G on transcript NM_006767.4 (MANE Select); coding-DNA position 205, A replaced by G.
Protein change: p.Ser69Gly; replaces serine 69 with glycine.
Molecular consequence: missense variant.
Genome position (GRCh38, 1-based): chr22:20,983,031, A>G. VCF-style: chr22-20983031-A-G. GRCh37 (hg19) VCF-style: chr22-21337320-A-G.
Other names: short protein forms S69G.
Identifiers: ClinVar variation 3657512 (VCV003657512.2).
Genomic context (GRCh38, chr22:20,983,031, plus strand): 5'-TTGGGTGCCCCCCAGGAGGGTCCTGTCCTTACCGCCCTCCACTCCTTTCTTTCCAGGCGC[A>G]GCAAGCACACAGTGGTGGCCTATAAAGATGCCATTTATGTATTTGGTGGAGACAATGGGT-3'
Protein context (NP_006758.2, residues 59-79): PCDEFVGARR[Ser69Gly]KHTVVAYKDA